The following is an entry in ClinVar:

ClinVar aggregate classification (germline): Pathogenic. Review status: criteria provided, multiple submitters, no conflicts (2 of 4 stars). 5 submissions from 5 submitters: Pathogenic (4). 1 of the submissions does not count toward it. Last evaluated 2024-05-03.

Conditions:
PHKG2-related disorder. Also called: PHKG2-related condition.
Glycogen storage disease IXc (GSD9C). Also called: GSD IXc. Identifiers: Orphanet 264580, MedGen C2751643, MONDO:0013091, OMIM 613027.

Allele frequency attached by ClinVar (database versions not stated): gnomAD exomes below 0.00001; ExAC 0.00001.
gnomAD v4.1: 7 of 1,613,924 alleles (0.00043%); highest among the groups gnomAD compares: East Asian, 0.0022%; no homozygotes.

Submissions (5):

Blueprint Genetics
Classification: Pathogenic for PHKG2-related disorders. Last evaluated: 2024-05-03. Review status: criteria provided, single submitter. Criteria: ACMG Guidelines, 2015. Collection method: clinical testing. Allele origin: germline. Affected: yes. Observed: 3 variant alleles.

Genomic Medicine Center of Excellence, King Faisal Specialist Hospital and Research Centre
Classification: Pathogenic for Glycogen storage disease IXc. Last evaluated: 2024-03-17. Review status: criteria provided, single submitter. Criteria: ACMG Guidelines, 2015. Collection method: research. Allele origin: germline.

Labcorp Genetics (formerly Invitae), Labcorp
Classification: Pathogenic for Glycogen storage disease IXc. Last evaluated: 2024-01-25. Review status: criteria provided, single submitter. Criteria: Invitae Variant Classification Sherloc (09022015). Collection method: clinical testing. Allele origin: germline.
Comment: This sequence change creates a premature translational stop signal (p.Arg44*) in the PHKG2 gene. It is expected to result in an absent or disrupted protein product. Loss-of-function variants in PHKG2 are known to be pathogenic (PMID: 8896567, 17689125, 21646031). This variant is present in population databases (rs137853590, gnomAD 0.0009%). This premature translational stop signal has been observed in individual(s) with glycogen storage disease (PMID: 35257483). ClinVar contains an entry for this variant (Variation ID: 13628). For these reasons, this variant has been classified as Pathogenic.

Eurofins Ntd Llc (ga)
Classification: Pathogenic. Last evaluated: 2017-03-22. Review status: criteria provided, single submitter. Criteria: EGL Classification Definitions 2015. Collection method: clinical testing. Allele origin: germline. Observed: 1 variant allele, 1 homozygote.

OMIM
Classification: Pathogenic for GLYCOGEN STORAGE DISEASE IXc. Last evaluated: 1998-01-01. Review status: no assertion criteria provided. Collection method: literature only. Allele origin: germline. Not counted in ClinVar's aggregate classification.

Literature cited by the submitters: PubMed 8896567 (cited by Labcorp Genetics (formerly Invitae), Labcorp); PubMed 17689125 (cited by Labcorp Genetics (formerly Invitae), Labcorp); PubMed 21646031 (cited by Labcorp Genetics (formerly Invitae), Labcorp); PubMed 35257483 (cited by Labcorp Genetics (formerly Invitae), Labcorp); PubMed 9384616 (cited by OMIM); PubMed 7562285 (cited by OMIM).

NM_000294.3(PHKG2):c.130C>T (p.Arg44Ter)

Gene: PHKG2 (phosphorylase kinase catalytic subunit gamma 2; plus strand). Cytogenetic location: 16p11.2.
Variant type: single nucleotide variant.
Coding change: c.130C>T on transcript NM_000294.3 (MANE Select); coding-DNA position 130, C replaced by T.
Protein change: p.Arg44Ter; replaces arginine 44 with a stop codon.
Molecular consequence: nonsense.
Genome position (GRCh38, 1-based): chr16:30,751,140, C>T. VCF-style: chr16-30751140-C-T. GRCh37 (hg19) VCF-style: chr16-30762461-C-T.
Other names: c.130C>T, p.Arg44Ter (NM_001172432.2); c.130C>T (NM_001172432.1); short protein forms R44*.
Identifiers: ClinVar variation 13628 (VCV000013628.12), dbSNP rs137853590, ClinGen allele CA123299.